The following is an entry in ClinVar:

ClinVar aggregate classification (germline): Uncertain significance (1 of 4 stars; one submission).

Conditions:
Hereditary cancer-predisposing syndrome. Also called: Tumor predisposition; Hereditary neoplastic syndrome; Hereditary Cancer Syndrome; Neoplastic Syndromes, Hereditary. Identifiers: Orphanet 140162, MedGen C0027672, MeSH D009386, MONDO:0015356.

Submission:

Ambry Genetics
Classification: Uncertain significance for Hereditary cancer-predisposing syndrome. Last evaluated: 2025-05-16. Review status: criteria provided, single submitter. Criteria: Ambry Variant Classification Scheme 2023. Collection method: clinical testing. Allele origin: germline.
Comment: The p.W1056* variant (also known as c.3168G>A), located in coding exon 19 of the RET gene, results from a G to A substitution at nucleotide position 3168. This changes the amino acid from a tryptophan to a stop codon within coding exon 19. This alteration occurs at the 3' terminus of the RET gene, is not expected to trigger nonsense-mediated mRNAdecay, and impacts the last 5.3% of the protein. The exact functional effect of this alteration is unknown. Based on the available evidence, the clinical significance of this variant remains unclear.

NM_020975.6(RET):c.3168G>A (p.Trp1056Ter)

Gene: RET (ret proto-oncogene; plus strand). Cytogenetic location: 10q11.21.
Variant type: single nucleotide variant.
Coding change: c.3168G>A on transcript NM_020975.6 (MANE Select); coding-DNA position 3168, G replaced by A.
Protein change: p.Trp1056Ter; replaces tryptophan 1056 with a stop codon.
Molecular consequence: nonsense. On other transcripts: intron variant (4).
Genome position (GRCh38, 1-based): chr10:43,126,703, G>A. VCF-style: chr10-43126703-G-A. GRCh37 (hg19) VCF-style: chr10-43622151-G-A.
Other names: c.2406G>A, p.Trp802Ter (NM_001355216.2); c.3168G>A, p.Trp1056Ter (NM_001406743.1, NM_001406744.1, NM_020630.7); c.3039G>A, p.Trp1013Ter (NM_001406761.1, NM_001406762.1, NM_001406764.1); c.3033G>A, p.Trp1011Ter (NM_001406763.1, NM_001406765.1); c.2880G>A, p.Trp960Ter (NM_001406766.1, NM_001406767.1, NM_001406770.1); c.2442G>A, p.Trp814Ter (NM_001406776.1, NM_001406778.1, NM_001406775.1); c.2271G>A, p.Trp757Ter (NM_001406779.1, NM_001406780.1, NM_001406781.1 and 1 more transcripts); c.2142G>A, p.Trp714Ter (NM_001406783.1, NM_001406786.1); and 13 more; short protein forms W1011*, W1013*, W712*, W757*, W881*, W924*, W960*, W621*.
Identifiers: ClinVar variation 3944695 (VCV003944695.1).